The following is an entry in ClinVar:

ClinVar aggregate classification (germline): Uncertain significance (1 of 4 stars; one submission).

Conditions:
Hereditary cancer-predisposing syndrome. Also called: Neoplastic Syndromes, Hereditary; Tumor predisposition; Hereditary Cancer Syndrome; Hereditary neoplastic syndrome. Identifiers: Orphanet 140162, MedGen C0027672, MeSH D009386, MONDO:0015356.

Allele frequency attached by ClinVar (database versions not stated): gnomAD exomes below 0.00001.
gnomAD v4.1: 1 of 1,614,218 alleles (0.000062%); highest among the groups gnomAD compares: Non-Finnish European, 0.000085%; no homozygotes.

Submission:

Ambry Genetics
Classification: Uncertain significance for Hereditary cancer-predisposing syndrome. Last evaluated: 2020-10-12. Review status: criteria provided, single submitter. Criteria: Ambry Variant Classification Scheme 2023. Collection method: clinical testing. Allele origin: germline.
Comment: The p.S1252L variant (also known as c.3755C>T), located in coding exon 20 of the DICER1 gene, results from a C to T substitution at nucleotide position 3755. The serine at codon 1252 is replaced by leucine, an amino acid with dissimilar properties. This amino acid position is highly conserved in available vertebrate species. In addition, this alteration is predicted to be deleterious by in silico analysis. Since supporting evidence is limited at this time, the clinical significance of this alteration remains unclear.

NM_177438.3(DICER1):c.3755C>T (p.Ser1252Leu)

Gene: DICER1 (dicer 1, ribonuclease III; minus strand). Cytogenetic location: 14q32.13.
Variant type: single nucleotide variant.
Coding change: c.3755C>T on transcript NM_177438.3 (MANE Select); coding-DNA position 3755, C replaced by T.
Protein change: p.Ser1252Leu; replaces serine 1252 with leucine.
Molecular consequence: missense variant. On other transcripts: non-coding transcript variant (6).
Genome position (GRCh38, 1-based): chr14:95,103,641, G>A on the plus strand (C>T on the coding strand, the complement: DICER1 is on the minus strand). VCF-style: chr14-95103641-G-A. GRCh37 (hg19) VCF-style: chr14-95569978-G-A.
Other names: c.3755C>T, p.Ser1252Leu (NM_001195573.1, NM_001271282.3, NM_001291628.2 and 13 more transcripts); c.3473C>T, p.Ser1158Leu (NM_001395686.1); c.3350C>T, p.Ser1117Leu (NM_001395687.1, NM_001395688.1, NM_001395689.1 and 2 more transcripts); c.3188C>T, p.Ser1063Leu (NM_001395691.1); c.2072C>T, p.Ser691Leu (NM_001395697.1); short protein forms S691L, S1158L, S1252L, S1063L, S1117L.
Identifiers: ClinVar variation 1734595 (VCV001734595.2), dbSNP rs2139960502, ClinGen allele CA390873644.